The following is an entry in ClinVar:

NM_001844.5(COL2A1):c.302G>C (p.Gly101Ala)

Gene: COL2A1 (collagen type II alpha 1 chain; minus strand). Cytogenetic location: 12q13.11.
Variant type: single nucleotide variant.
Coding change: c.302G>C on transcript NM_001844.5 (MANE Select); coding-DNA position 302, G replaced by C.
Protein change: p.Gly101Ala; replaces glycine 101 with alanine.
Molecular consequence: missense variant.
Genome position (GRCh38, 1-based): chr12:47,998,422, C>G on the plus strand (G>C on the coding strand, the complement: COL2A1 is on the minus strand). VCF-style: chr12-47998422-C-G. GRCh37 (hg19) VCF-style: chr12-48392205-C-G.
Other names: c.95G>C, p.Gly32Ala (NM_033150.3); short protein forms G101A, G32A.
Identifiers: ClinVar variation 3381736 (VCV003381736.3).

ClinVar aggregate classification (germline): Uncertain significance. Review status: criteria provided, multiple submitters, no conflicts (2 of 4 stars). 2 submissions from 2 submitters: Uncertain significance (2). Last evaluated 2026-05-12.

Submissions (2):

GeneDx
Classification: Uncertain significance. Last evaluated: 2026-05-12. Review status: criteria provided, single submitter. Criteria: GeneDx Variant Classification Process June 2021. Collection method: clinical testing. Allele origin: germline.
Comment: Not observed at significant frequency in large population cohorts (gnomAD); In silico analysis suggests that this missense variant does not alter protein structure/function; Has not been previously published as pathogenic or benign to our knowledge

Labcorp Genetics (formerly Invitae), Labcorp
Classification: Uncertain significance. Last evaluated: 2025-08-14. Review status: criteria provided, single submitter. Criteria: Invitae Variant Classification Sherloc (09022015). Collection method: clinical testing. Allele origin: germline.
Comment: This sequence change replaces glycine, which is neutral and non-polar, with alanine, which is neutral and non-polar, at codon 101 of the COL2A1 protein (p.Gly101Ala). This variant is not present in population databases (gnomAD no frequency). This variant has not been reported in the literature in individuals affected with COL2A1-related conditions. ClinVar contains an entry for this variant (Variation ID: 3381736). Invitae Evidence Modeling of protein sequence and biophysical properties (such as structural, functional, and spatial information, amino acid conservation, physicochemical variation, residue mobility, and thermodynamic stability) has been performed for this missense variant. However, the output from this modeling did not meet the statistical confidence thresholds required to predict the impact of this variant on COL2A1 protein function. In summary, the available evidence is currently insufficient to determine the role of this variant in disease. Therefore, it has been classified as a Variant of Uncertain Significance.